The following is an entry in ClinVar:

NM_005548.3(KARS1):c.1031A>G (p.Tyr344Cys)

Gene: KARS1 (lysyl-tRNA synthetase 1; minus strand). Cytogenetic location: 16q23.1.
Variant type: single nucleotide variant.
Coding change: c.1031A>G on transcript NM_005548.3 (MANE Select); coding-DNA position 1031, A replaced by G.
Protein change: p.Tyr344Cys; replaces tyrosine 344 with cysteine.
Molecular consequence: missense variant.
Genome position (GRCh38, 1-based): chr16:75,631,740, T>C on the plus strand (A>G on the coding strand, the complement: KARS1 is on the minus strand). VCF-style: chr16-75631740-T-C. GRCh37 (hg19) VCF-style: chr16-75665638-T-C.
Other names: c.1115A>G, p.Tyr372Cys (NM_001130089.2); c.563A>G, p.Tyr188Cys (NM_001378148.1); short protein forms Y344C, Y188C, Y372C.
Identifiers: ClinVar variation 2023908 (VCV002023908.4), dbSNP rs2507558552, ClinGen allele CA396812072.

ClinVar aggregate classification (germline): Uncertain significance (1 of 4 stars; one submission).

Allele frequency attached by ClinVar (database versions not stated): gnomAD exomes below 0.00001.
gnomAD v4.1: 1 of 1,614,204 alleles (0.000062%); highest among the groups gnomAD compares: East Asian, 0.0022%; no homozygotes.

Submission:

Labcorp Genetics (formerly Invitae), Labcorp
Classification: Uncertain significance. Last evaluated: 2024-01-08. Review status: criteria provided, single submitter. Criteria: Invitae Variant Classification Sherloc (09022015). Collection method: clinical testing. Allele origin: germline.
Comment: This sequence change replaces tyrosine, which is neutral and polar, with cysteine, which is neutral and slightly polar, at codon 372 of the KARS protein (p.Tyr372Cys). This variant is not present in population databases (gnomAD no frequency). This variant has not been reported in the literature in individuals affected with KARS-related conditions. ClinVar contains an entry for this variant (Variation ID: 2023908). Advanced modeling of protein sequence and biophysical properties (such as structural, functional, and spatial information, amino acid conservation, physicochemical variation, residue mobility, and thermodynamic stability) performed at Invitae indicates that this missense variant is expected to disrupt KARS protein function with a positive predictive value of 80%. In summary, the available evidence is currently insufficient to determine the role of this variant in disease. Therefore, it has been classified as a Variant of Uncertain Significance.